The following is an entry in ClinVar:

NM_005560.6(LAMA5):c.6859C>T (p.Arg2287Cys)

Gene: LAMA5 (laminin subunit alpha 5; minus strand). Cytogenetic location: 20q13.33.
Variant type: single nucleotide variant.
Coding change: c.6859C>T on transcript NM_005560.6 (MANE Select); coding-DNA position 6859, C replaced by T.
Protein change: p.Arg2287Cys; replaces arginine 2287 with cysteine.
Molecular consequence: missense variant.
Genome position (GRCh38, 1-based): chr20:62,319,696, G>A on the plus strand (C>T on the coding strand, the complement: LAMA5 is on the minus strand). VCF-style: chr20-62319696-G-A. GRCh37 (hg19) VCF-style: chr20-60894752-G-A.
Other names: c.6859C>T (NM_005560.3, NM_005560.4); short protein forms R2287C.
Identifiers: ClinVar variation 1077033 (VCV001077033.5), dbSNP rs527608109, ClinGen allele CA9941531.
Genomic context (GRCh38, chr20:62,319,696, plus strand): 5'-GCAGCCCTCCTGGCTCTGAGCCCTGAGCCTGGCTGGGCTGGCCCCTACCGCTCAGGGTGC[G>A]GTCCACAGCCCGGATGGCCGCCAACAGCGTCTTCGCATGGCCCAGTGTGGCCTCGGTGCC-3'
Protein context (NP_005551.3, residues 2277-2297): TLLAAIRAVD[Arg2287Cys]TLSELMSQTG

ClinVar aggregate classification (germline): Conflicting classifications of pathogenicity. Review status: criteria provided, conflicting classifications (1 of 4 stars). 3 submissions from 3 submitters: Likely pathogenic (1); Uncertain significance (1). 1 of the submissions does not count toward it. Last evaluated 2022-12-16.

Conditions:
Inborn genetic diseases. Identifiers: MedGen C0950123, MeSH D030342.
Nephrotic syndrome. Identifiers: MedGen C0027726, MONDO:0005377, HP:0000100.
LAMA5-related disorder. Also called: LAMA5-related condition; LAMA5-Related Disorders.

Allele frequency attached by ClinVar (database versions not stated): gnomAD 0.00010 and 0.00012; TOPMed 0.00017; gnomAD exomes 0.00030 and 0.00006; 1000 Genomes Project 30x 0.00031; 1000 Genomes Project 0.00040; ExAC 0.00007.
gnomAD v4.1: 111 of 1,542,970 alleles (0.0072%); highest among the groups gnomAD compares: East Asian, 0.2%; 1 homozygote.

Submissions (3):

Ambry Genetics
Classification: Uncertain significance for Inborn genetic diseases. Last evaluated: 2022-12-16. Review status: criteria provided, single submitter. Criteria: Ambry Variant Classification Scheme 2023. Collection method: clinical testing. Allele origin: germline.

Precision Medicine Center, Zhengzhou University
Classification: Likely pathogenic for Nephrotic syndrome. Review status: criteria provided, single submitter. Criteria: ACMG Guidelines, 2015. Collection method: research. Allele origin: germline. Affected: yes.
Comment: PM1:Located in well-established functional domain PP1:Cosegregation with disease in multiple affected family members PP3:Multiple lines of computational evidence support a deleterious effect on the gene or gene product PP4:Patient's phenotype is highly specific for a disease PP5:Reputable source recently reports variant as pathogenic

PreventionGenetics, part of Exact Sciences
Classification: Likely benign for LAMA5-related condition. Last evaluated: 2024-04-04. Review status: no assertion criteria provided. Collection method: clinical testing. Allele origin: germline. Not counted in ClinVar's aggregate classification.
Comment: This variant is classified as likely benign based on ACMG/AMP sequence variant interpretation guidelines (Richards et al. 2015 PMID: 25741868, with internal and published modifications).